The following is an entry in ClinVar:

ClinVar aggregate classification (germline): Pathogenic/Likely pathogenic. Review status: criteria provided, multiple submitters, no conflicts (2 of 4 stars). 2 submissions from 2 submitters: Pathogenic (1); Likely pathogenic (1). Last evaluated 2023-11-22.

Conditions:
Wolman disease (WOLD). Also called: Acid cholesteryl ester hydrolase deficiency, Wolman type; Acid lipase disease; Wolman disease, CESD; Wolman disease with hypolipoproteinemia and acanthocytosis; LYSOSOMAL ACID LIPASE DEFICIENCY, ACUTE INFANTILE; LYSOSOMAL ACID LIPASE DEFICIENCY, COMPLETE. Identifiers: Orphanet 75233, MedGen C0043208, MONDO:0019148, OMIM 620151.

Allele frequency attached by ClinVar (database versions not stated): gnomAD exomes below 0.00001; TOPMed 0.00001.
gnomAD v4.1: 1 of 1,614,124 alleles (0.000062%); highest among the groups gnomAD compares: Non-Finnish European, 0.000085%; no homozygotes.

Submissions (2):

Labcorp Genetics (formerly Invitae), Labcorp
Classification: Pathogenic for Wolman disease. Last evaluated: 2023-11-22. Review status: criteria provided, single submitter. Criteria: Invitae Variant Classification Sherloc (09022015). Collection method: clinical testing. Allele origin: germline.
Comment: This sequence change creates a premature translational stop signal (p.Glu232*) in the LIPA gene. It is expected to result in an absent or disrupted protein product. Loss-of-function variants in LIPA are known to be pathogenic (PMID: 23485521). This variant is not present in population databases (gnomAD no frequency). This variant has not been reported in the literature in individuals affected with LIPA-related conditions. ClinVar contains an entry for this variant (Variation ID: 2192799). Algorithms developed to predict the effect of sequence changes on RNA splicing suggest that this variant may disrupt the consensus splice site. For these reasons, this variant has been classified as Pathogenic.

Intergen Genetics and Rare Diseases Diagnosis Center
Classification: Likely pathogenic for Wolman disease. Last evaluated: 2023-08-28. Review status: criteria provided, single submitter. Criteria: ACMG Guidelines, 2015. Collection method: clinical testing. Allele origin: biparental. Inheritance: Autosomal recessive inheritance. Affected: yes. Observed: 1 homozygote.

Literature cited by the submitters: PubMed 23485521 (cited by Labcorp Genetics (formerly Invitae), Labcorp).

NM_000235.4(LIPA):c.694G>T (p.Glu232Ter)

Gene: LIPA (lipase A, lysosomal acid type; minus strand). Cytogenetic location: 10q23.31.
Variant type: single nucleotide variant.
Coding change: c.694G>T on transcript NM_000235.4 (MANE Select); coding-DNA position 694, G replaced by T.
Protein change: p.Glu232Ter; replaces glutamic acid 232 with a stop codon.
Molecular consequence: nonsense.
Genome position (GRCh38, 1-based): chr10:89,223,812, C>A on the plus strand (G>T on the coding strand, the complement: LIPA is on the minus strand). VCF-style: chr10-89223812-C-A. GRCh37 (hg19) VCF-style: chr10-90983569-C-A.
Other names: c.694G>T, p.Glu232Ter (NM_001127605.3); c.346G>T, p.Glu116Ter (NM_001288979.2); short protein forms E116*, E232*.
Identifiers: ClinVar variation 2192799 (VCV002192799.5), dbSNP rs1842732796, ClinGen allele CA377517093.
Genomic context (GRCh38, chr10:89,223,812, plus strand): 5'-TGACATGAGTGCAAACGTGGGTACCCAGCCACTTCAAAAACGCACTCTGGGGAAGAAATT[C>A]TTTGTCTCCAAATAAGTCCTACAAAATAAAAAGAAACCCAAGAACATCTCAGCATTTCAC-3'